The following is an entry in ClinVar:

ClinVar aggregate classification (germline): Uncertain significance (1 of 4 stars; one submission).

Submission:

Labcorp Genetics (formerly Invitae), Labcorp
Classification: Uncertain significance. Last evaluated: 2024-05-20. Review status: criteria provided, single submitter. Criteria: Invitae Variant Classification Sherloc (09022015). Collection method: clinical testing. Allele origin: germline.
Comment: This variant, c.235_237del, results in the deletion of 1 amino acid(s) of the KLF1 protein (p.Leu79del), but otherwise preserves the integrity of the reading frame. This variant is present in population databases (rs757298523, gnomAD 0.02%). This variant has not been reported in the literature in individuals affected with KLF1-related conditions. Experimental studies and prediction algorithms are not available or were not evaluated, and the functional significance of this variant is currently unknown. In summary, the available evidence is currently insufficient to determine the role of this variant in disease. Therefore, it has been classified as a Variant of Uncertain Significance.

NM_006563.5(KLF1):c.229CTC[2] (p.Leu79del)

Gene: KLF1 (KLF transcription factor 1; minus strand). Cytogenetic location: 19p13.13.
Variant type: Microsatellite.
Coding change: c.229CTC[2] on transcript NM_006563.5 (MANE Select); two copies in a row of the 3-base unit CTC starting at c.229; the reference has three copies in a row; one copy, 3 bases deleted.
Protein change: p.Leu79del; deletes leucine 79.
Molecular consequence: inframe deletion.
Genome position (GRCh38, 1-based): chr19:12,885,993-12,885,995, GAG deleted on the plus strand (CTC on the coding strand, the reverse complement: KLF1 is on the minus strand); deleting any 3 consecutive bases within chr19:12,885,993-12,886,001 gives the same sequence; the position shown is the placement nearest the transcript's 3' end. VCF-style (leftmost placement, unchanged base first): chr19-12885992-TGAG-T. GRCh37 (hg19) VCF-style: chr19-12996806-TGAG-T.
Other names: short protein forms L79del.
Identifiers: ClinVar variation 2984672 (VCV002984672.3), dbSNP rs757298523, ClinGen allele CA9234078.